The following is an entry in ClinVar:

ClinVar aggregate classification (germline): Uncertain significance (1 of 4 stars; one submission).

Submission:

Labcorp Genetics (formerly Invitae), Labcorp
Classification: Uncertain significance. Last evaluated: 2022-07-25. Review status: criteria provided, single submitter. Criteria: Invitae Variant Classification Sherloc (09022015). Collection method: clinical testing. Allele origin: germline.
Comment: In summary, the available evidence is currently insufficient to determine the role of this variant in disease. Therefore, it has been classified as a Variant of Uncertain Significance. Algorithms developed to predict the effect of sequence changes on RNA splicing suggest that this variant may disrupt the consensus splice site. This variant, c.3348_3349insGGG, results in the insertion of 1 amino acid(s) of the ARHGEF18 protein (p.Pro1116_Asp1117insGly), but otherwise preserves the integrity of the reading frame. This variant is also known as c.3349+1_3349+2insGGG. This variant has not been reported in the literature in individuals affected with ARHGEF18-related conditions. This variant is not present in population databases (gnomAD no frequency).

NM_001367823.1(ARHGEF18):c.3913+1_3913+2insGGG

Gene: ARHGEF18 (Rho/Rac guanine nucleotide exchange factor 18; plus strand). Cytogenetic location: 19p13.2.
Variant type: Insertion.
Coding change: c.3913+1_3913+2insGGG on transcript NM_001367823.1 (MANE Select); the canonical splice donor site of the intron after coding-DNA position 3913, GGG inserted.
Molecular consequence: splice donor variant.
Genome position: GRCh38 VCF-style: chr19-7470028-A-AGGG. GRCh37 (hg19) VCF-style: chr19-7534914-A-AGGG.
Other names: c.2875+1_2875+2insGGG (NM_001367824.1, NM_015318.4); c.3187+1_3187+2insGGG (NM_001130955.2).
Identifiers: ClinVar variation 2008233 (VCV002008233.4), dbSNP rs2512359752, ClinGen allele CA2580097145.